The following is an entry in ClinVar:

NC_000012.12:g.132634261_132634264delinsT

Gene: POLE (DNA polymerase epsilon, catalytic subunit; minus strand). Cytogenetic location: 12q24.33.
Variant type: Indel.
Genome position: GRCh38 VCF-style: chr12-132634261-CCAG-T. GRCh37 (hg19) VCF-style: chr12-133210847-CCAG-T.
Other names: c.5926_5929delinsA, p.Leu1976_Glu1977delinsLys (LRG_789t1).
Identifiers: ClinVar variation 573630 (VCV000573630.5), dbSNP rs1565928471, ClinGen allele CA891843951.

ClinVar aggregate classification (germline): Uncertain significance (1 of 4 stars; one submission).

Submission:

Labcorp Genetics (formerly Invitae), Labcorp
Classification: Uncertain significance. Last evaluated: 2018-03-24. Review status: criteria provided, single submitter. Criteria: Invitae Variant Classification Sherloc (09022015). Collection method: clinical testing. Allele origin: germline.
Comment: This variant, c.5926_5929delinsA, results in the deletion of 2 amino acids of the POLE protein, along with the insertion of an additional amino acid (p.Leu1976_Glu1977delinsLys), but otherwise preserves the integrity of the reading frame. In summary, the available evidence is currently insufficient to determine the role of this variant in disease. Therefore, it has been classified as a Variant of Uncertain Significance. Experimental studies and prediction algorithms are not available for this variant, and the functional significance of the disrupted amino acids is currently unknown. This variant has not been reported in the literature in individuals with POLE-related disease. This variant is not present in population databases (ExAC no frequency).